The following is an entry in ClinVar:

NM_001367624.2(ZNF469):c.9076G>C (p.Glu3026Gln)

Gene: ZNF469 (zinc finger protein 469; plus strand). Cytogenetic location: 16q24.2.
Variant type: single nucleotide variant.
Coding change: c.9076G>C on transcript NM_001367624.2 (MANE Select); coding-DNA position 9076, G replaced by C.
Protein change: p.Glu3026Gln; replaces glutamic acid 3026 with glutamine.
Molecular consequence: missense variant.
Genome position (GRCh38, 1-based): chr16:88,436,546, G>C. VCF-style: chr16-88436546-G-C. GRCh37 (hg19) VCF-style: chr16-88502954-G-C.
Other names: NM_001127464.1:c.8992G>C; short protein forms E3026Q.
Identifiers: ClinVar variation 3232877 (VCV003232877.1), dbSNP rs1455430724, ClinGen allele CA397120567.

ClinVar aggregate classification (germline): Uncertain significance (1 of 4 stars; one submission).

Conditions:
Cardiovascular phenotype. Identifiers: MedGen CN230736.

Allele frequency attached by ClinVar (database versions not stated): gnomAD exomes below 0.00001; TOPMed below 0.00001.
gnomAD v4.1: 6 of 1,549,612 alleles (0.00039%); highest among the groups gnomAD compares: Non-Finnish European, 0.00052%; no homozygotes.

Submission:

Ambry Genetics
Classification: Uncertain significance for Cardiovascular phenotype. Last evaluated: 2023-10-21. Review status: criteria provided, single submitter. Criteria: Ambry Variant Classification Scheme 2023. Collection method: clinical testing. Allele origin: germline.
Comment: The p.E2998Q variant (also known as c.8992G>C), located in coding exon 2 of the ZNF469 gene, results from a G to C substitution at nucleotide position 8992. The glutamic acid at codon 2998 is replaced by glutamine, an amino acid with highly similar properties. This amino acid position is conserved. In addition, this alteration is predicted to be tolerated by in silico analysis. Since supporting evidence is limited at this time, the clinical significance of this alteration remains unclear.